The following is an entry in ClinVar:

ClinVar aggregate classification (germline): Uncertain significance (1 of 4 stars; one submission).

Allele frequency attached by ClinVar (database versions not stated): ExAC 0.00008.
gnomAD v4.1: 54 of 1,547,262 alleles (0.0035%); highest among the groups gnomAD compares: South Asian, 0.026%; no homozygotes.

Submission:

Labcorp Genetics (formerly Invitae), Labcorp
Classification: Uncertain significance. Last evaluated: 2024-11-27. Review status: criteria provided, single submitter. Criteria: Invitae Variant Classification Sherloc (09022015). Collection method: clinical testing. Allele origin: germline.
Comment: This sequence change replaces arginine, which is basic and polar, with histidine, which is basic and polar, at codon 103 of the TCIRG1 protein (p.Arg103His). This variant is present in population databases (rs775326246, gnomAD 0.02%). This variant has not been reported in the literature in individuals affected with TCIRG1-related conditions. ClinVar contains an entry for this variant (Variation ID: 2149981). Invitae Evidence Modeling of protein sequence and biophysical properties (such as structural, functional, and spatial information, amino acid conservation, physicochemical variation, residue mobility, and thermodynamic stability) indicates that this missense variant is not expected to disrupt TCIRG1 protein function with a negative predictive value of 80%. In summary, the available evidence is currently insufficient to determine the role of this variant in disease. Therefore, it has been classified as a Variant of Uncertain Significance.

NM_006019.4(TCIRG1):c.308G>A (p.Arg103His)

Gene: TCIRG1 (T cell immune regulator 1, ATPase H+ transporting V0 subunit a3; plus strand). Cytogenetic location: 11q13.2.
Variant type: single nucleotide variant.
Coding change: c.308G>A on transcript NM_006019.4 (MANE Select); coding-DNA position 308, G replaced by A.
Protein change: p.Arg103His; replaces arginine 103 with histidine.
Molecular consequence: missense variant. On other transcripts: 5 prime UTR variant (1).
Genome position (GRCh38, 1-based): chr11:68,042,754, G>A. VCF-style: chr11-68042754-G-A. GRCh37 (hg19) VCF-style: chr11-67810221-G-A.
Other names: c.-942G>A (NM_001351059.2); short protein forms R103H.
Identifiers: ClinVar variation 2149981 (VCV002149981.3), dbSNP rs775326246, ClinGen allele CA6146695.